The following is an entry in ClinVar:

NM_005263.5(GFI1):c.710T>C (p.Val237Ala)

Gene: GFI1 (growth factor independent 1 transcriptional repressor; minus strand). Cytogenetic location: 1p22.1.
Variant type: single nucleotide variant.
Coding change: c.710T>C on transcript NM_005263.5 (MANE Select); coding-DNA position 710, T replaced by C.
Protein change: p.Val237Ala; replaces valine 237 with alanine.
Molecular consequence: missense variant.
Genome position (GRCh38, 1-based): chr1:92,480,677, A>G on the plus strand (T>C on the coding strand, the complement: GFI1 is on the minus strand). VCF-style: chr1-92480677-A-G. GRCh37 (hg19) VCF-style: chr1-92946234-A-G.
Other names: c.710T>C, p.Val237Ala (NM_001127215.3, NM_001127216.3); short protein forms V237A.
Identifiers: ClinVar variation 2186504 (VCV002186504.6), dbSNP rs1212064579, ClinGen allele CA341149199.
Genomic context (GRCh38, chr1:92,480,677, plus strand): 5'-CACTTGTAGGAGCCGCCGCCCAGCAGCAGGCGGGTGCACAGCAGCTCCGACTCCACCTTG[A>G]CGCCAGCGCCCTTGTCTGCGTGCAGCCCGTGGCCACGCTCGGGGTACAGCAAGCCCGCCG-3'
Protein context (NP_005254.2, residues 227-247): HGLHADKGAG[Val237Ala]KVESELLCTR

ClinVar aggregate classification (germline): Uncertain significance. Review status: criteria provided, multiple submitters, no conflicts (2 of 4 stars). 2 submissions from 2 submitters: Uncertain significance (2). Last evaluated 2025-05-19.

Conditions:
Neutropenia, severe congenital, 2, autosomal dominant. Identifiers: Orphanet 486, MedGen C2751288, MONDO:0013139, OMIM 613107.

Allele frequency attached by ClinVar (database versions not stated): gnomAD exomes below 0.00001; TOPMed below 0.00001.
gnomAD v4.1: 4 of 1,596,280 alleles (0.00025%); highest among the groups gnomAD compares: African/African-American, 0.0027%; no homozygotes.

Submissions (2):

Ambry Genetics
Classification: Uncertain significance. Last evaluated: 2025-05-19. Review status: criteria provided, single submitter. Criteria: Ambry Variant Classification Scheme 2023. Collection method: clinical testing. Allele origin: germline.
Comment: The p.V237A variant (also known as c.710T>C), located in coding exon 3 of the GFI1 gene, results from a T to C substitution at nucleotide position 710. The valine at codon 237 is replaced by alanine, an amino acid with similar properties. This amino acid position is conserved. In addition, this alteration is predicted to be tolerated by in silico analysis. Based on the available evidence, the clinical significance of this variant remains unclear.

Labcorp Genetics (formerly Invitae), Labcorp
Classification: Uncertain significance for Neutropenia, severe congenital, 2, autosomal dominant. Last evaluated: 2022-03-29. Review status: criteria provided, single submitter. Criteria: Invitae Variant Classification Sherloc (09022015). Collection method: clinical testing. Allele origin: germline.
Comment: In summary, the available evidence is currently insufficient to determine the role of this variant in disease. Therefore, it has been classified as a Variant of Uncertain Significance. Algorithms developed to predict the effect of missense changes on protein structure and function (SIFT, PolyPhen-2, Align-GVGD) all suggest that this variant is likely to be tolerated. This variant has not been reported in the literature in individuals affected with GFI1-related conditions. The frequency data for this variant in the population databases is considered unreliable, as metrics indicate poor data quality at this position in the gnomAD database. This sequence change replaces valine, which is neutral and non-polar, with alanine, which is neutral and non-polar, at codon 237 of the GFI1 protein (p.Val237Ala).